The following is an entry in ClinVar:

ClinVar aggregate classification (germline): Uncertain significance. Review status: criteria provided, multiple submitters, no conflicts (2 of 4 stars). 2 submissions from 2 submitters: Uncertain significance (2). Last evaluated 2024-10-22.

Conditions:
ALG1-congenital disorder of glycosylation. Also called: CDG Ik; CONGENITAL DISORDER OF GLYCOSYLATION, TYPE Ik; ALG1-CDG. Identifiers: Orphanet 79327, MedGen C2931005, MONDO:0012052, OMIM 608540.
Inborn genetic diseases. Identifiers: MedGen C0950123, MeSH D030342.

Allele frequency attached by ClinVar (database versions not stated): gnomAD 0.00001; gnomAD exomes 0.00001; ExAC 0.00002; TOPMed 0.00005; ESP Exome Variant Server 0.00008.

Submissions (2):

Labcorp Genetics (formerly Invitae), Labcorp
Classification: Uncertain significance for ALG1-congenital disorder of glycosylation. Last evaluated: 2024-10-22. Review status: criteria provided, single submitter. Criteria: Invitae Variant Classification Sherloc (09022015). Collection method: clinical testing. Allele origin: germline.
Comment: This sequence change replaces threonine, which is neutral and polar, with methionine, which is neutral and non-polar, at codon 284 of the ALG1 protein (p.Thr284Met). The frequency data for this variant in the population databases is considered unreliable, as metrics indicate poor data quality at this position in the gnomAD database. This variant has not been reported in the literature in individuals affected with ALG1-related conditions. Invitae Evidence Modeling of protein sequence and biophysical properties (such as structural, functional, and spatial information, amino acid conservation, physicochemical variation, residue mobility, and thermodynamic stability) indicates that this missense variant is expected to disrupt ALG1 protein function with a positive predictive value of 80%. In summary, the available evidence is currently insufficient to determine the role of this variant in disease. Therefore, it has been classified as a Variant of Uncertain Significance.

Ambry Genetics
Classification: Uncertain significance for Inborn genetic diseases. Last evaluated: 2024-08-21. Review status: criteria provided, single submitter. Criteria: Ambry Variant Classification Scheme 2023. Collection method: clinical testing. Allele origin: germline.

NM_019109.5(ALG1):c.851C>T (p.Thr284Met)

Gene: ALG1 (ALG1 chitobiosyldiphosphodolichol beta-mannosyltransferase; plus strand). Cytogenetic location: 16p13.3.
Variant type: single nucleotide variant.
Coding change: c.851C>T on transcript NM_019109.5 (MANE Select); coding-DNA position 851, C replaced by T.
Protein change: p.Thr284Met; replaces threonine 284 with methionine.
Molecular consequence: missense variant.
Genome position (GRCh38, 1-based): chr16:5,078,867, C>T. VCF-style: chr16-5078867-C-T. GRCh37 (hg19) VCF-style: chr16-5128868-C-T.
Other names: c.518C>T, p.Thr173Met (NM_001330504.2); c.851C>T (NM_019109.4); short protein forms T173M, T284M.
Identifiers: ClinVar variation 2919263 (VCV002919263.3), dbSNP rs369264804, ClinGen allele CA7890041.